The following is an entry in ClinVar:

NM_000748.3(CHRNB2):c.946G>A (p.Val316Met)

Gene: CHRNB2 (cholinergic receptor nicotinic beta 2 subunit; plus strand). Cytogenetic location: 1q21.3.
Variant type: single nucleotide variant.
Coding change: c.946G>A on transcript NM_000748.3 (MANE Select); coding-DNA position 946, G replaced by A.
Protein change: p.Val316Met; replaces valine 316 with methionine.
Molecular consequence: missense variant.
Genome position (GRCh38, 1-based): chr1:154,571,769, G>A. VCF-style: chr1-154571769-G-A. GRCh37 (hg19) VCF-style: chr1-154544245-G-A.
Other names: short protein forms V316M.
Identifiers: ClinVar variation 1767064 (VCV001767064.2), dbSNP rs773957177, ClinGen allele CA1130798.

ClinVar aggregate classification (germline): Uncertain significance (1 of 4 stars; one submission).

Conditions:
Inborn genetic diseases. Identifiers: MedGen C0950123, MeSH D030342.

Allele frequency attached by ClinVar (database versions not stated): ExAC 0.00001.
gnomAD v4.1: 6 of 1,614,154 alleles (0.00037%); highest among the groups gnomAD compares: Admixed American, 0.0017%; no homozygotes.

Submission:

Ambry Genetics
Classification: Uncertain significance for Inborn genetic diseases. Last evaluated: 2018-06-12. Review status: criteria provided, single submitter. Criteria: Ambry Variant Classification Scheme 2023. Collection method: clinical testing. Allele origin: germline.
Comment: The p.V316M variant (also known as c.946G>A), located in coding exon 5 of the CHRNB2 gene, results from a G to A substitution at nucleotide position 946. The valine at codon 316 is replaced by methionine, an amino acid with highly similar properties. This amino acid position is highly conserved in available vertebrate species. In addition, this alteration is predicted to be deleterious by in silico analysis. Since supporting evidence is limited at this time, the clinical significance of this alteration remains unclear.